The following is an entry in ClinVar:

ClinVar aggregate classification (germline): Uncertain significance (1 of 4 stars; one submission).

Conditions:
Transcobalamin II deficiency (TCN2D). Also called: Transcolabamin II deficiency; TC II DEFICIENCY; TCN2 DEFICIENCY. Identifiers: Orphanet 859, MedGen C0342701, MONDO:0010149, OMIM 275350.

gnomAD v4.1: 2 of 1,614,198 alleles (0.00012%); highest among the groups gnomAD compares: Non-Finnish European, 0.00017%; no homozygotes.

Submission:

Labcorp Genetics (formerly Invitae), Labcorp
Classification: Uncertain significance for Transcobalamin II deficiency. Last evaluated: 2024-10-24. Review status: criteria provided, single submitter. Criteria: Invitae Variant Classification Sherloc (09022015). Collection method: clinical testing. Allele origin: germline.
Comment: This sequence change replaces leucine, which is neutral and non-polar, with phenylalanine, which is neutral and non-polar, at codon 107 of the TCN2 protein (p.Leu107Phe). This variant is not present in population databases (gnomAD no frequency). This variant has not been reported in the literature in individuals affected with TCN2-related conditions. ClinVar contains an entry for this variant (Variation ID: 2095548). Invitae Evidence Modeling of protein sequence and biophysical properties (such as structural, functional, and spatial information, amino acid conservation, physicochemical variation, residue mobility, and thermodynamic stability) indicates that this missense variant is expected to disrupt TCN2 protein function with a positive predictive value of 80%. In summary, the available evidence is currently insufficient to determine the role of this variant in disease. Therefore, it has been classified as a Variant of Uncertain Significance.

NM_000355.4(TCN2):c.319C>T (p.Leu107Phe)

Gene: TCN2 (transcobalamin 2; plus strand). Cytogenetic location: 22q12.2.
Variant type: single nucleotide variant.
Coding change: c.319C>T on transcript NM_000355.4 (MANE Select); coding-DNA position 319, C replaced by T.
Protein change: p.Leu107Phe; replaces leucine 107 with phenylalanine.
Molecular consequence: missense variant.
Genome position (GRCh38, 1-based): chr22:30,612,934, C>T. VCF-style: chr22-30612934-C-T. GRCh37 (hg19) VCF-style: chr22-31008921-C-T.
Other names: c.319C>T, p.Leu107Phe (NM_001184726.2); short protein forms L107F.
Identifiers: ClinVar variation 2095548 (VCV002095548.4), dbSNP rs2517903442, ClinGen allele CA411208453.
Genomic context (GRCh38, chr22:30,612,934, plus strand): 5'-TCTGCCTTCAGCGAGGATGACGGTGACTGCCAGGGCAAGCCTTCCATGGGCCAGCTGGCC[C>T]TCTACCTGCTCGCTCTCAGAGCCAACTGTGAGTTTGTCAGGGGCCACAAGGGGGACAGGC-3'
Protein context (NP_000346.2, residues 97-117): QGKPSMGQLA[Leu107Phe]YLLALRANCE